The following is an entry in ClinVar:

NM_004046.6(ATP5F1A):c.674C>A (p.Thr225Lys)

Gene: ATP5F1A (ATP synthase F1 subunit alpha; minus strand). Cytogenetic location: 18q21.1.
Variant type: single nucleotide variant.
Coding change: c.674C>A on transcript NM_004046.6 (MANE Select); coding-DNA position 674, C replaced by A.
Protein change: p.Thr225Lys; replaces threonine 225 with lysine.
Molecular consequence: missense variant.
Genome position (GRCh38, 1-based): chr18:46,088,234, G>T on the plus strand (C>A on the coding strand, the complement: ATP5F1A is on the minus strand). VCF-style: chr18-46088234-G-T. GRCh37 (hg19) VCF-style: chr18-43668200-G-T.
Other names: c.524C>A, p.Thr175Lys (NM_001001935.3, NM_001257335.2); c.674C>A, p.Thr225Lys (NM_001001937.2); c.608C>A, p.Thr203Lys (NM_001257334.2); short protein forms T175K, T203K, T225K.
Identifiers: ClinVar variation 3391530 (VCV003391530.1).

ClinVar aggregate classification (germline): Uncertain significance (1 of 4 stars; one submission).

gnomAD v4.1: 1 of 1,588,636 alleles (0.000063%); highest among the groups gnomAD compares: Non-Finnish European, 0.000085%; no homozygotes.

Submission:

GeneDx
Classification: Uncertain significance. Last evaluated: 2024-06-18. Review status: criteria provided, single submitter. Criteria: GeneDx Variant Classification Process June 2021. Collection method: clinical testing. Allele origin: germline. Affected: yes.
Comment: Not observed at significant frequency in large population cohorts (gnomAD); In silico analysis supports that this missense variant has a deleterious effect on protein structure/function; Has not been previously published as pathogenic or benign to our knowledge